The following is an entry in ClinVar:

ClinVar aggregate classification (germline): Uncertain significance. Review status: criteria provided, multiple submitters, no conflicts (2 of 4 stars). 4 submissions from 4 submitters: Uncertain significance (3). 1 of the submissions does not count toward it. Last evaluated 2024-10-21.

Conditions:
Inborn genetic diseases. Identifiers: MedGen C0950123, MeSH D030342.
Autosomal recessive retinitis pigmentosa. Identifiers: MedGen C0339526.

Allele frequency attached by ClinVar (database versions not stated): gnomAD exomes 0.00001; ExAC 0.00005; gnomAD 0.00009 and 0.00010; TOPMed 0.00014.
gnomAD v4.1: 21 of 1,527,130 alleles (0.0014%); highest among the groups gnomAD compares: African/African-American, 0.029%; no homozygotes.

Submissions (4):

Ambry Genetics
Classification: Uncertain significance for Inborn genetic diseases. Last evaluated: 2024-10-21. Review status: criteria provided, single submitter. Criteria: Ambry Variant Classification Scheme 2023. Collection method: clinical testing. Allele origin: germline.

Labcorp Genetics (formerly Invitae), Labcorp
Classification: Uncertain significance. Last evaluated: 2022-06-27. Review status: criteria provided, single submitter. Criteria: Invitae Variant Classification Sherloc (09022015). Collection method: clinical testing. Allele origin: germline.
Comment: This sequence change replaces aspartic acid, which is acidic and polar, with asparagine, which is neutral and polar, at codon 1068 of the EYS protein (p.Asp1068Asn). This variant is present in population databases (rs747998145, gnomAD 0.02%). This variant has not been reported in the literature in individuals affected with EYS-related conditions. ClinVar contains an entry for this variant (Variation ID: 954570). Algorithms developed to predict the effect of missense changes on protein structure and function output the following: SIFT: "Tolerated"; PolyPhen-2: "Benign"; Align-GVGD: "Class C0". The asparagine amino acid residue is found in multiple mammalian species, which suggests that this missense change does not adversely affect protein function. In summary, the available evidence is currently insufficient to determine the role of this variant in disease. Therefore, it has been classified as a Variant of Uncertain Significance.

Blueprint Genetics
Classification: Uncertain significance. Last evaluated: 2019-08-21. Review status: criteria provided, single submitter. Criteria: ACMG Guidelines, 2015. Collection method: clinical testing. Allele origin: germline.

Natera, Inc.
Classification: Uncertain significance for Autosomal recessive retinitis pigmentosa. Last evaluated: 2020-09-28. Review status: no assertion criteria provided. Collection method: clinical testing. Allele origin: germline. Not counted in ClinVar's aggregate classification.

NM_001142800.2(EYS):c.3202G>A (p.Asp1068Asn)

Gene: EYS (EGF-like photoreceptor maintenance factor; minus strand). Cytogenetic location: 6q12.
Variant type: single nucleotide variant.
Coding change: c.3202G>A on transcript NM_001142800.2 (MANE Select); coding-DNA position 3202, G replaced by A.
Protein change: p.Asp1068Asn; replaces aspartic acid 1068 with asparagine.
Molecular consequence: missense variant.
Genome position (GRCh38, 1-based): chr6:64,821,686, C>T on the plus strand (G>A on the coding strand, the complement: EYS is on the minus strand). VCF-style: chr6-64821686-C-T. GRCh37 (hg19) VCF-style: chr6-65531579-C-T.
Other names: c.3202G>A, p.Asp1068Asn (NM_001292009.2); short protein forms D1068N.
Identifiers: ClinVar variation 954570 (VCV000954570.6), dbSNP rs747998145, ClinGen allele CA3877206.
Genomic context (GRCh38, chr6:64,821,686, plus strand): 5'-ATAAAATTATAAGACTTACATTAATTTTGATCTTACATTGTGTGCTAGTCCCATCTGCAT[C>T]ACATGAACATGGATATTCATTAATAAGTTCTGTGCACCTGAAACACAGAATTAGAATTAC-3'
Protein context (NP_001136272.1, residues 1058-1078): ELINEYPCSC[Asp1068Asn]ADGTSTQCKI